The following is an entry in ClinVar:

NM_003978.5(PSTPIP1):c.149A>T (p.Glu50Val)

Gene: PSTPIP1 (proline-serine-threonine phosphatase interacting protein 1; plus strand). Cytogenetic location: 15q24.3.
Variant type: single nucleotide variant.
Coding change: c.149A>T on transcript NM_003978.5 (MANE Select); coding-DNA position 149, A replaced by T.
Protein change: p.Glu50Val; replaces glutamic acid 50 with valine.
Molecular consequence: missense variant. On other transcripts: non-coding transcript variant (1).
Genome position (GRCh38, 1-based): chr15:77,018,468, A>T. VCF-style: chr15-77018468-A-T. GRCh37 (hg19) VCF-style: chr15-77310809-A-T.
Other names: p.Glu50Val; c.149A>T, p.Glu50Val (NM_001321135.2, NM_001411086.1); c.122A>T, p.Glu41Val (NM_001321136.2); c.344A>T, p.Glu115Val (NM_001321137.1); short protein forms E41V, E50V, E115V.
Identifiers: ClinVar variation 4541965 (VCV004541965.1).

ClinVar aggregate classification (germline): Uncertain significance (1 of 4 stars; one submission).

gnomAD v4.1: 1 of 1,583,072 alleles (0.000063%); highest among the groups gnomAD compares: Non-Finnish European, 0.000086%; no homozygotes.

Submission:

Mayo Clinic Laboratories, Mayo Clinic
Classification: Uncertain significance. Last evaluated: 2025-12-11. Review status: criteria provided, single submitter. Criteria: ACMG Guidelines, 2015. Collection method: clinical testing. Allele origin: germline. Observed: 1 variant allele.
Comment: PP3, PM2_supporting